The following is an entry in ClinVar:

NM_005045.4(RELN):c.4304-194A>G

Gene: RELN (reelin; minus strand). Cytogenetic location: 7q22.1.
Variant type: single nucleotide variant.
Coding change: c.4304-194A>G on transcript NM_005045.4 (MANE Select); 194 bases into the intron before coding-DNA position 4304, A replaced by G.
Molecular consequence: intron variant.
Genome position (GRCh38, 1-based): chr7:103,574,493, T>C on the plus strand (A>G on the coding strand, the complement: RELN is on the minus strand). VCF-style: chr7-103574493-T-C. GRCh37 (hg19) VCF-style: chr7-103214940-T-C.
Other names: c.4304-194A>G (NM_173054.3).
Identifiers: ClinVar variation 669128 (VCV000669128.1), dbSNP rs362813, ClinGen allele CA12595019.

ClinVar aggregate classification (germline): Benign (1 of 4 stars; one submission).

Allele frequency attached by ClinVar (database versions not stated): TOPMed 0.47051; gnomAD 0.47643; 1000 Genomes Project 30x 0.47954.
gnomAD v4.1: 71,674 of 152,016 alleles (47%); highest among the groups gnomAD compares: South Asian, 52%; 16,983 homozygotes.

Submission:

GeneDx
Classification: Benign. Last evaluated: 2018-06-19. Review status: criteria provided, single submitter. Criteria: GeneDx Variant Classification (06012015). Collection method: clinical testing. Allele origin: germline. Affected: yes.
Comment: This variant is considered likely benign or benign based on one or more of the following criteria: it is a conservative change, it occurs at a poorly conserved position in the protein, it is predicted to be benign by multiple in silico algorithms, and/or has population frequency not consistent with disease.